The following is an entry in ClinVar:

NM_006073.4(TRDN):c.604_610+47del

Gene: TRDN (triadin; minus strand). Cytogenetic location: 6q22.31.
Variant type: Deletion.
Coding change: c.604_610+47del on transcript NM_006073.4 (MANE Select); coding-DNA position 604 through 47 bases into the intron after coding-DNA position 610, 54 bases deleted.
Molecular consequence: splice donor variant.
Genome position (GRCh38, 1-based): chr6:123,512,256-123,512,309, 54 bases deleted. GRCh37 (hg19): chr6:123,833,404-123,833,457.
Other names: c.604_610+47del (NM_001251987.2, NM_001256020.2, NM_001256021.2).
Identifiers: ClinVar variation 229351 (VCV000229351.10), dbSNP rs1554251571, ClinGen allele CA10576680.

ClinVar aggregate classification (germline): Uncertain significance. Review status: criteria provided, multiple submitters, no conflicts (2 of 4 stars). 2 submissions from 2 submitters: Uncertain significance (2). Last evaluated 2023-12-18.

Conditions:
Catecholaminergic polymorphic ventricular tachycardia 1. Also called: VENTRICULAR TACHYCARDIA, STRESS-INDUCED POLYMORPHIC 1; RYR2-Related Catecholaminergic Polymorphic Ventricular Tachycardia; VENTRICULAR TACHYCARDIA, CATECHOLAMINERGIC POLYMORPHIC, 1, WITH OR WITHOUT ATRIAL DYSFUNCTION AND/OR DILATED CARDIOMYOPATHY. Identifiers: Orphanet 3286, MedGen C1631597, MONDO:0011484, OMIM 604772.

Submissions (2):

Labcorp Genetics (formerly Invitae), Labcorp
Classification: Uncertain significance for Catecholaminergic polymorphic ventricular tachycardia 1. Last evaluated: 2023-12-18. Review status: criteria provided, single submitter. Criteria: Invitae Variant Classification Sherloc (09022015). Collection method: clinical testing. Allele origin: germline.
Comment: This variant results in the deletion of part of exon 7 (c.604_610+47del) of the TRDN gene. While this variant is not anticipated to result in nonsense mediated decay, it likely alters RNA splicing and results in a disrupted protein product. This variant is not present in population databases (gnomAD no frequency). This variant has not been reported in the literature in individuals affected with TRDN-related conditions. ClinVar contains an entry for this variant (Variation ID: 229351). Variants that disrupt the consensus splice site are a relatively common cause of aberrant splicing (PMID: 17576681, 9536098). In summary, the available evidence is currently insufficient to determine the role of this variant in disease. Therefore, it has been classified as a Variant of Uncertain Significance.

Laboratory for Molecular Medicine, Mass General Brigham Personalized Medicine
Classification: Uncertain significance. Last evaluated: 2015-11-23. Review status: criteria provided, single submitter. Criteria: LMM Criteria. Collection method: clinical testing. Allele origin: germline. Observed: 2 variant alleles.
Comment: Variant classified as Uncertain Significance - Favor Pathogenic. The c.604_610+4 7del variant in TRDN has not been previously reported in individuals with cardio myopathy. Data from large population studies is insufficient to assess the frequ ency of this variant. This variant is a deletion of 54 bases starting at positio n c.604 and extending 47 bases into intron 7. This deletion removes the 5' splic e region of intron 7, is predicted to alter the protein reading-frame, and leads to an altered or absent protein. While there is some evidence that loss of fun ction in TRDN is associated with catecholaminergic polymorphic ventricular tachy cardia and long QT syndrome in an autosomal recessive manner, the evidence is li mited. In summary, while there is some suspicion for a pathogenic role, the clin ical significance of the the c.604_610+47del variant is uncertain.

Literature cited by the submitters: PubMed 17576681 (cited by Labcorp Genetics (formerly Invitae), Labcorp); PubMed 9536098 (cited by Labcorp Genetics (formerly Invitae), Labcorp).